The following is an entry in ClinVar:

ClinVar aggregate classification (germline): Conflicting classifications of pathogenicity. Review status: criteria provided, conflicting classifications (1 of 4 stars). 14 submissions from 14 submitters: Pathogenic (1); Likely pathogenic (5); Uncertain significance (6). 2 of the submissions do not count toward it. Last evaluated 2026-09-03.

Conditions:
Noonan syndrome 10 (NS10). Identifiers: Orphanet 648, MedGen C4225280, MONDO:0014693, OMIM 616564.
Cardiovascular phenotype. Identifiers: MedGen CN230736.
Hereditary cancer-predisposing syndrome. Also called: Neoplastic Syndromes, Hereditary; Tumor predisposition; Hereditary Cancer Syndrome; Hereditary neoplastic syndrome. Identifiers: Orphanet 140162, MedGen C0027672, MeSH D009386, MONDO:0015356.
Noonan syndrome 2 (NS2). Identifiers: Orphanet 648, MedGen C1854469, MONDO:0011531, OMIM 605275.
LZTR1-related schwannomatosis. Also called: Schwannomatosis 2; Schwannomatosis-2, susceptibility to. Identifiers: Orphanet 93921, MedGen C3810283, MONDO:0014299, OMIM 615670.

Allele frequency attached by ClinVar (database versions not stated): TOPMed 0.00004.
gnomAD v4.1: 49 of 1,613,606 alleles (0.003%); highest among the groups gnomAD compares: East Asian, 0.011%; no homozygotes.

Submissions (14):

MVZ Martinsried, Medicover Genetics
Classification: Likely pathogenic for Noonan syndrome 2. Last evaluated: 2026-09-03. Review status: criteria provided, single submitter. Criteria: ClinGen Variant Curation SOP V3.2 + Classification Guidance July2025. Collection method: clinical testing. Allele origin: unknown. Affected: yes. Observed: 1 heterozygote.
Comment: PM3_Strong, PM2_Supporting, PP1

Labcorp Genetics (formerly Invitae), Labcorp
Classification: Pathogenic. Last evaluated: 2026-01-02. Review status: criteria provided, single submitter. Criteria: Invitae Variant Classification Sherloc (09022015). Collection method: clinical testing. Allele origin: germline.
Comment: This sequence change replaces arginine, which is basic and polar, with glutamine, which is neutral and polar, at codon 697 of the LZTR1 protein (p.Arg697Gln). This variant is present in population databases (rs370638947, gnomAD 0.02%). This missense change has been observed in individual(s) with autosomal recessive Noonan syndrome and/or neurodevelopmental disorders (PMID: 28191889, 29469822, 35258168; internal data). In at least one individual the data is consistent with being in trans (on the opposite chromosome) from a pathogenic variant. It has also been observed to segregate with disease in related individuals. ClinVar contains an entry for this variant (Variation ID: 1206143). Invitae Evidence Modeling of protein sequence and biophysical properties (such as structural, functional, and spatial information, amino acid conservation, physicochemical variation, residue mobility, and thermodynamic stability) indicates that this missense variant is not expected to disrupt LZTR1 protein function with a negative predictive value of 80%. This variant disrupts the p.Arg697 amino acid residue in LZTR1. Other variant(s) that disrupt this residue have been observed in individuals with LZTR1-related conditions (PMID: 25335493), which suggests that this may be a clinically significant amino acid residue. For these reasons, this variant has been classified as Pathogenic.

Mayo Clinic Laboratories, Mayo Clinic
Classification: Uncertain significance. Last evaluated: 2025-08-28. Review status: criteria provided, single submitter. Criteria: ACMG Guidelines, 2015. Collection method: clinical testing. Allele origin: germline. Observed: 1 variant allele.
Comment: PP4, PM2_supporting

Ambry Genetics
Classification: Likely pathogenic for Cardiovascular phenotype; Hereditary cancer-predisposing syndrome. Last evaluated: 2025-05-14. Review status: criteria provided, single submitter. Criteria: Ambry Variant Classification Scheme 2023. Collection method: clinical testing. Allele origin: germline.
Comment: The p.R697Q variant (also known as c.2090G>A), located in coding exon 18 of the LZTR1 gene, results from a G to A substitution at nucleotide position 2090. The arginine at codon 697 is replaced by glutamine, an amino acid with highly similar properties. This variant was reported in individual(s) with features consistent with LZTR1-related schwannomatosis (Ambry internal data). This variant has been identified in the homozygous state and/or in conjunction with other LZTR1 variant(s) in individual(s) with features consistent with Noonan syndrome; in at least one instance, the variants were identified in trans (Johnston JJ et al. Genet Med, 2018 Oct;20:1175-1185; De Ridder W et al. Am J Med Genet A, 2022 Jun;188:1801-1807; Swarts JW et al. Am J Med Genet A, 2022 Nov;188:3242-3261). This amino acid position is highly conserved in available vertebrate species. In addition, the in silico prediction for this alteration is inconclusive. Loss-of-function variants in LZTR1 are related to an increased risk for schwannomas and autosomal recessive Noonan syndrome; however, such associations with autosomal dominant Noonan syndrome have not been observed (Piotrowski A et al. Nat Genet. 2014 Feb;46:182-7; Yamamoto GL et al. J Med Genet. 2015 Jun;52:413-21; Johnston JJ et al. Genet Med. 2018 10;20:1175-1185). Based on the supporting evidence, this variant is likely pathogenic for an increased risk of LZTR1-related schwannomatosis (SWN) and would be expected to cause autosomal recessive Noonan syndrome when present along with a second pathogenic or likely pathogenic variant on the other allele; however, the association of this alteration with autosomal dominant Noonan syndrome is unlikely.

Institute of Human Genetics, University of Leipzig Medical Center
Classification: Uncertain significance for Noonan syndrome 2. Last evaluated: 2025-03-11. Review status: criteria provided, single submitter. Criteria: ACMG Guidelines, 2015. Collection method: clinical testing. Allele origin: unknown. Affected: yes.
Comment: Criteria applied: PM3_STR,PP1

Department of Pathology and Laboratory Medicine, Sinai Health System
Classification: Uncertain significance for Noonan syndrome 2; LZTR1-related schwannomatosis; Noonan syndrome 10. Last evaluated: 2025-01-13. Review status: criteria provided, single submitter. Criteria: ACMG Guidelines, 2015. Collection method: clinical testing. Allele origin: germline.

Clinical Genomics Laboratory, Washington University in St. Louis
Classification: Likely pathogenic for Noonan syndrome 2. Last evaluated: 2024-06-27. Review status: criteria provided, single submitter. Criteria: ACMG Guidelines, 2015. Collection method: clinical testing. Allele origin: germline. Affected: yes.
Comment: An LZTR1 c.2090G>A (p.Arg697Gln) variant was identified at a heterozygous allelic fraction of 49.4%, a frequency which may be consistent with germline origin. This variant has been reported in several individuals in the literature with the autosomal recessive form of Noonan syndrome (Johnston JJ et al., PMID: 29469822; Swarts JW et al., PMID: 35979676; De Ridder W et al., PMID: 35258168). Of the individuals with autosomal recessive Noonan syndrome, the variant segregated with disease and all affected individuals were compound heterozygous for the p.Arg697Gln variant and another pathogenic or likely pathogenic variant that was confirmed in trans (Johnston JJ et al., PMID: 29469822; Swarts JW et al., PMID: 35979676; De Ridder W et al., PMID: 35258168). The LZTR1 c.2090G>A (p.Arg697Gln) variant has conflicting interpretations of pathogenicity in the ClinVar database: pathogenic by two submitters, likely pathogenic by two submitters and a variant of uncertain significance by three submitters (ClinVar ID: 1206143). It is only observed on 49/1,613,606 alleles in the general population (gnomAD v.4.1.0), indicating it is not a common variant. Another variant in the same codon, c.2089C>T p.(Arg697Trp) has been reported in an individual with Schwannomatosis and is considered pathogenic (Paganini I et al., PMID: 25335493). Based on available information and the ACMG/AMP guidelines for variant interpretation (Richards S et al., PMID: 25741868), this variant is classified as likely pathogenic.

Women's Health and Genetics/Laboratory Corporation of America, LabCorp
Classification: Likely pathogenic for Noonan syndrome 2. Last evaluated: 2024-04-30. Review status: criteria provided, single submitter. Criteria: LabCorp Variant Classification Summary - May 2015. Collection method: clinical testing. Allele origin: germline.
Comment: Variant summary: LZTR1 c.2090G>A (p.Arg697Gln) results in a conservative amino acid change in the encoded protein sequence. Three of five in-silico tools predict a damaging effect of the variant on protein function. The variant allele was found at a frequency of 3e-05 in 1613606 control chromosomes (gnomAD). This frequency is not significantly higher than estimated for a pathogenic variant in LZTR1 causing Noonan Syndrome 2 (3e-05 vs 0.0032), allowing no conclusion about variant significance. c.2090G>A has been reported in the literature in individuals affected with autosomal recessive Noonan Syndrome 2 (examples: Johnston_2018, DeRidder_2022, Swarts_2022). These data indicate that the variant is likely to be associated with disease. The following publications have been ascertained in the context of this evaluation (PMID: 35258168, 29469822, 35979676). ClinVar contains an entry for this variant (Variation ID: 1206143). Based on the evidence outlined above, the variant was classified as likely pathogenic.

St. Jude Molecular Pathology, St. Jude Children's Research Hospital
Classification: Uncertain significance for Noonan syndrome 10. Last evaluated: 2024-04-13. Review status: criteria provided, single submitter. Criteria: St. Jude Assertion Criteria 2020. Collection method: clinical testing. Allele origin: germline.
Comment: The LZTR1 c.2090G>A (p.Arg697Gln) missense change has a maximum founder subpopulation frequency of 0.02% and a maximum non-founder subpopulation frequency of 0.006% in gnomAD v2.1.1. The in silico tool REVEL is inconclusive about a pathogenic or benign effect of this variant on protein function, and functional studies have not been performed. This variant has been reported as compound heterozygous in individuals with Noonan syndrome, and was found to segregate with disease in one family (PMID: 29469822, 35979676). In summary, the evidence currently available is insufficient to determine the clinical significance of this variant. It has therefore been classified as of uncertain significance.

Baylor Genetics
Classification: Uncertain significance for LZTR1-related schwannomatosis. Last evaluated: 2024-01-24. Review status: criteria provided, single submitter. Criteria: ACMG Guidelines, 2015. Collection method: clinical testing. Allele origin: unknown.

GeneDx
Classification: Uncertain significance. Last evaluated: 2023-03-31. Review status: criteria provided, single submitter. Criteria: GeneDx Variant Classification Process June 2021. Collection method: clinical testing. Allele origin: germline.
Comment: In silico analysis supports that this missense variant has a deleterious effect on protein structure/function; In-silico analysis is inconclusive as to whether the variant alters gene splicing; in the absence of RNA/functional studies the actual effect of this sequence change is unknown; This variant is associated with the following publications: (PMID: 28191889, 35258168, 35979676, 29469822)

Dasa
Classification: Likely pathogenic for LZTR1-related schwannomatosis. Last evaluated: 2022-02-05. Review status: criteria provided, single submitter. Criteria: ACMG Guidelines, 2015. Collection method: clinical testing. Allele origin: germline. Affected: yes. Observed: 1 variant allele.
Comment: The c.2090G>A;p.(Arg697Gln) missense variant has been observed in affected individual(s) and ClinVar contains an entry for this variant (PMID: 29469822) - PS4_supporting. The variant is present at low allele frequencies population databases (rs370638947 – gnomAD 0.00001972%; ABraOM no frequency) - PM2_supporting. The p.(Arg697Gln) was detected in trans with a pathogenic variant (PMID: 29469822) - PM3. The variant co-segregated with disease in multiple affected family members (PMID: 29469822) - PP1. Multiple lines of computational evidence support a deleterious effect on the gene or gene product - PP3. In summary, the currently available evidence indicates that the variant is likely pathogenic.

Joint Genome Diagnostic Labs from Nijmegen and Maastricht, Radboudumc and MUMC+
Classification: Likely pathogenic. Review status: no assertion criteria provided. Collection method: clinical testing. Allele origin: germline. Affected: yes. Study: VKGL Data-share Consensus. Not counted in ClinVar's aggregate classification.

Laboratory of Diagnostic Genome Analysis, Leiden University Medical Center (LUMC)
Classification: Pathogenic. Review status: no assertion criteria provided. Collection method: clinical testing. Allele origin: germline. Affected: yes. Study: VKGL Data-share Consensus. Not counted in ClinVar's aggregate classification.

Literature cited by the submitters: PubMed 28191889 (cited by Labcorp Genetics (formerly Invitae), Labcorp); PubMed 29469822 (cited by 6 submitters); PubMed 35258168 (cited by 4 submitters); PubMed 25335493 (cited by Labcorp Genetics (formerly Invitae), Labcorp and Mayo Clinic Laboratories, Mayo Clinic); PubMed 35979676 (cited by 4 submitters).

NM_006767.4(LZTR1):c.2090G>A (p.Arg697Gln)

Gene: LZTR1 (leucine zipper like post translational regulator 1; plus strand). Cytogenetic location: 22q11.21.
Variant type: single nucleotide variant.
Coding change: c.2090G>A on transcript NM_006767.4 (MANE Select); coding-DNA position 2090, G replaced by A.
Protein change: p.Arg697Gln; replaces arginine 697 with glutamine.
Molecular consequence: missense variant.
Genome position (GRCh38, 1-based): chr22:20,995,983, G>A. VCF-style: chr22-20995983-G-A. GRCh37 (hg19) VCF-style: chr22-21350272-G-A.
Other names: p.Arg697Gln; c.2090G>A (NM_006767.3); short protein forms R697Q.
Identifiers: ClinVar variation 1206143 (VCV001206143.26), dbSNP rs370638947, ClinGen allele CA501021.